The following is an entry in ClinVar:

ClinVar aggregate classification (germline): Conflicting classifications of pathogenicity. Review status: criteria provided, conflicting classifications (1 of 4 stars). 2 submissions from 2 submitters: Uncertain significance (1); Likely benign (1). Last evaluated 2023-08-02.

Conditions:
Long QT syndrome (LQTS). Identifiers: MedGen C0023976, MeSH D008133, MONDO:0002442. Disease mechanism: loss of function. Inheritance: Various modes of inheritance.
Cardiac arrhythmia. Also called: Cardiac rhythm disease; Arrhythmia. Identifiers: MedGen C0003811, MONDO:0007263, HP:0011675.

Submissions (2):

Labcorp Genetics (formerly Invitae), Labcorp
Classification: Likely benign for Long QT syndrome. Last evaluated: 2023-08-02. Review status: criteria provided, single submitter. Criteria: Invitae Variant Classification Sherloc (09022015). Collection method: clinical testing. Allele origin: germline.

Color Diagnostics, LLC DBA Color Health
Classification: Uncertain significance for Cardiac arrhythmia. Last evaluated: 2020-12-14. Review status: criteria provided, single submitter. Criteria: ACMG Guidelines, 2015. Collection method: clinical testing. Allele origin: germline.
Comment: This variant causes a C to G nucleotide substitution at the -13 position of intron 11 of the KCNQ1 gene. To our knowledge, functional studies have not been reported for this variant. This variant has not been reported in individuals affected with cardiovascular disorders in the literature. This variant has not been identified in the general population by the Genome Aggregation Database (gnomAD). The available evidence is insufficient to determine the role of this variant in disease conclusively. Therefore, this variant is classified as a Variant of Uncertain Significance.

NM_000218.3(KCNQ1):c.1515-13C>G

Gene: KCNQ1 (potassium voltage-gated channel subfamily Q member 1; plus strand). Cytogenetic location: 11p15.5.
Variant type: single nucleotide variant.
Coding change: c.1515-13C>G on transcript NM_000218.3 (MANE Select); 13 bases into the intron before coding-DNA position 1515, C replaced by G.
Molecular consequence: intron variant.
Genome position (GRCh38, 1-based): chr11:2,768,831, C>G. VCF-style: chr11-2768831-C-G. GRCh37 (hg19) VCF-style: chr11-2790061-C-G.
Other names: c.1245-13C>G (NM_001406837.1); c.1419-13C>G (NM_001406836.1); c.975-13C>G (NM_001406838.1); c.1134-13C>G (NM_181798.2).
Identifiers: ClinVar variation 1172135 (VCV001172135.8), dbSNP rs2133980915, ClinGen allele CA2499220876.